The following is an entry in ClinVar:

NM_176787.5(PIGN):c.1252-2A>G

Gene: PIGN (phosphatidylinositol glycan anchor biosynthesis class N; minus strand). Cytogenetic location: 18q21.33.
Variant type: single nucleotide variant.
Coding change: c.1252-2A>G on transcript NM_176787.5 (MANE Select); the canonical splice acceptor site of the intron before coding-DNA position 1252, A replaced by G.
Molecular consequence: splice acceptor variant.
Genome position (GRCh38, 1-based): chr18:62,113,318, T>C on the plus strand (A>G on the coding strand, the complement: PIGN is on the minus strand). VCF-style: chr18-62113318-T-C. GRCh37 (hg19) VCF-style: chr18-59780551-T-C.
Other names: c.1252-2A>G (NM_012327.6).
Identifiers: ClinVar variation 1345818 (VCV001345818.9), dbSNP rs1360977917, ClinGen allele CA402606049.
Genomic context (GRCh38, chr18:62,113,318, plus strand): 5'-GTGTGATAATAGGACAATCCTTTCAATGCAAGATGAATTAGCTCCTTGCAAAGGGAGACC[T>C]ATGGAGAAAAAACATATATAACTTGCTAACAGAAATAATAAGAAAACCTACATTTTAAAG-3'

ClinVar aggregate classification (germline): Pathogenic/Likely pathogenic. Review status: criteria provided, multiple submitters, no conflicts (2 of 4 stars). 2 submissions from 2 submitters: Pathogenic (1); Likely pathogenic (1). Last evaluated 2024-01-22.

Conditions:
Multiple congenital anomalies-hypotonia-seizures syndrome 1 (MCAHS1). Also called: Congenital disorder of glycosylation due to PIGN deficiency; GLYCOSYLPHOSPHATIDYLINOSITOL BIOSYNTHESIS DEFECT 3; PIGN-CDG. Identifiers: Orphanet 280633, MedGen C3279775, MONDO:0013563, OMIM 614080.

Allele frequency attached by ClinVar (database versions not stated): TOPMed below 0.00001; gnomAD 0.00001; gnomAD exomes 0.00001.
gnomAD v4.1: 8 of 1,585,134 alleles (0.0005%); highest among the groups gnomAD compares: Non-Finnish European, 0.00068%; no homozygotes.

Submissions (2):

Labcorp Genetics (formerly Invitae), Labcorp
Classification: Pathogenic for Multiple congenital anomalies-hypotonia-seizures syndrome 1. Last evaluated: 2024-01-22. Review status: criteria provided, single submitter. Criteria: Invitae Variant Classification Sherloc (09022015). Collection method: clinical testing. Allele origin: germline.
Comment: This sequence change affects an acceptor splice site in intron 15 of the PIGN gene. It is expected to disrupt RNA splicing. Variants that disrupt the donor or acceptor splice site typically lead to a loss of protein function (PMID: 16199547), and loss-of-function variants in PIGN are known to be pathogenic (PMID: 24253414, 27038415). This variant is not present in population databases (gnomAD no frequency). Disruption of this splice site has been observed in individual(s) with clinical features of PIGN-related conditions (PMID: 32064623; Invitae). In at least one individual the data is consistent with being in trans (on the opposite chromosome) from a pathogenic variant. ClinVar contains an entry for this variant (Variation ID: 1345818). Algorithms developed to predict the effect of sequence changes on RNA splicing suggest that this variant may disrupt the consensus splice site. For these reasons, this variant has been classified as Pathogenic.

GeneDx
Classification: Likely pathogenic. Last evaluated: 2022-09-27. Review status: criteria provided, single submitter. Criteria: GeneDx Variant Classification Process June 2021. Collection method: clinical testing. Allele origin: germline. Affected: yes.
Comment: Canonical splice site variant expected to result in aberrant splicing, although in the absence of functional evidence the actual effect of this sequence change is unknown.; Not observed at significant frequency in large population cohorts (gnomAD); This variant is associated with the following publications: (PMID: 32064623)

Literature cited by the submitters: PubMed 16199547 (cited by Labcorp Genetics (formerly Invitae), Labcorp); PubMed 24253414 (cited by Labcorp Genetics (formerly Invitae), Labcorp); PubMed 27038415 (cited by Labcorp Genetics (formerly Invitae), Labcorp); PubMed 32064623 (cited by Labcorp Genetics (formerly Invitae), Labcorp).